The following is an entry in ClinVar:

ClinVar aggregate classification (germline): Uncertain significance (1 of 4 stars; one submission).

Conditions:
PAX3-related disorder. Also called: PAX3-related condition.

gnomAD v4.1: 10 of 1,603,134 alleles (0.00062%); highest among the groups gnomAD compares: African/African-American, 0.0027%; no homozygotes.

Submission:

PreventionGenetics, part of Exact Sciences
Classification: Uncertain significance for PAX3-related condition. Last evaluated: 2024-12-12. Review status: criteria provided, single submitter. Criteria: ACMG Guidelines, 2015. Collection method: clinical testing. Allele origin: germline.
Comment: The PAX3 c.1198G>A variant is predicted to result in the amino acid substitution p.Gly400Ser. To our knowledge, this variant has not been reported in the literature. This variant is reported in 0.0043% of alleles in individuals of African descent in gnomAD. At this time, the clinical significance of this variant is uncertain due to the absence of conclusive functional and genetic evidence.

NM_181458.4(PAX3):c.1198G>A (p.Gly400Ser)

Gene: PAX3 (paired box 3; minus strand). Cytogenetic location: 2q36.1.
Variant type: single nucleotide variant.
Coding change: c.1198G>A on transcript NM_181458.4 (MANE Select); coding-DNA position 1198, G replaced by A.
Protein change: p.Gly400Ser; replaces glycine 400 with serine.
Molecular consequence: missense variant. On other transcripts: intron variant (2).
Genome position (GRCh38, 1-based): chr2:222,202,166, C>T on the plus strand (G>A on the coding strand, the complement: PAX3 is on the minus strand). VCF-style: chr2-222202166-C-T. GRCh37 (hg19) VCF-style: chr2-223066885-C-T.
Other names: c.1195G>A, p.Gly399Ser (NM_001127366.3); c.1198G>A, p.Gly400Ser (NM_181457.4, NM_181459.4); c.1174-724G>A (NM_181460.4, NM_181461.4); short protein forms G400S, G399S.
Identifiers: ClinVar variation 4978512 (VCV004978512.1).
Genomic context (GRCh38, chr2:222,202,166, plus strand): 5'-CCAGACCCCCGGTGAGAGGGGAGAGCGCGTAATCAGTCTGGGGCTGATGAGGTACCCCAC[C>T]GTGGTTGGTCAGGAGTCCCATTACCTAAAAAAACAGCCAGATTGGGAAGAGGTTAAAATG-3'
Protein context (NP_852123.1, residues 390-410): PQVMGLLTNH[Gly400Ser]GVPHQPQTDY